The following is an entry in ClinVar:

NM_000368.5(TSC1):c.1282_1283delinsCT (p.Ala428Leu)

Gene: TSC1 (TSC complex subunit 1; minus strand). Cytogenetic location: 9q34.13.
Variant type: Indel.
Coding change: c.1282_1283delinsCT on transcript NM_000368.5 (MANE Select); coding-DNA positions 1282 to 1283, GC replaced by CT.
Protein change: p.Ala428Leu; replaces alanine 428 with leucine.
Molecular consequence: missense variant.
Genome position (GRCh38, 1-based): chr9:132,907,351-132,907,352, GC replaced by AG on the plus strand (GC replaced by CT on the coding strand, the reverse complement: TSC1 is on the minus strand). VCF-style: chr9-132907351-GC-AG. GRCh37 (hg19) VCF-style: chr9-135782738-GC-AG.
Other names: c.1282_1283delGCinsCT (NM_000368.4); c.1279_1280delinsCT, p.Ala427Leu (NM_001162426.2); c.1129_1130delinsCT, p.Ala377Leu (NM_001162427.2); c.919_920delinsCT, p.Ala307Leu (NM_001362177.2); short protein forms A428L, A307L, A377L, A427L.
Identifiers: ClinVar variation 135362 (VCV000135362.12), dbSNP rs587778721, ClinGen allele CA004602.

ClinVar aggregate classification (germline): Uncertain significance. Review status: criteria provided, multiple submitters, no conflicts (2 of 4 stars). 4 submissions from 4 submitters: Uncertain significance (3). 1 of the submissions does not count toward it. Last evaluated 2025-04-10.

Conditions:
Hereditary cancer-predisposing syndrome. Also called: Tumor predisposition; Hereditary neoplastic syndrome; Neoplastic Syndromes, Hereditary; Hereditary Cancer Syndrome. Identifiers: Orphanet 140162, MedGen C0027672, MeSH D009386, MONDO:0015356.
Isolated focal cortical dysplasia type II (FCORD2). Also called: CORTICAL DYSPLASIA OF TAYLOR; Focal cortical dysplasia type II. Identifiers: Orphanet 268994, MedGen C1846385, MONDO:0011818, OMIM 607341, HP:0032051.
Tuberous sclerosis 1 (TSC1). Identifiers: Orphanet 805, MedGen C1854465, MONDO:0008612, OMIM 191100.

Submissions (4):

Ambry Genetics
Classification: Uncertain significance for Hereditary cancer-predisposing syndrome. Last evaluated: 2025-04-10. Review status: criteria provided, single submitter. Criteria: Ambry Variant Classification Scheme 2023. Collection method: clinical testing. Allele origin: germline.
Comment: The c.1282_1283delGCinsCT variant (also known as p.A428L), located in coding exon 11 of the TSC1 gene, results from an in-frame deletion of GC and insertion of CT at nucleotide positions 1282 to 1283. This results in the substitution of the alanine residue for a leucine residue at codon 428, an amino acid with similar properties. This amino acid position is not well conserved in available vertebrate species. In addition, this alteration is predicted to be neutral by in silico analysis (Choi Y et al. PLoS ONE. 2012; 7(10):e46688). Based on the available evidence, the clinical significance of this variant remains unclear.

Labcorp Genetics (formerly Invitae), Labcorp
Classification: Uncertain significance for Tuberous sclerosis 1. Last evaluated: 2024-12-19. Review status: criteria provided, single submitter. Criteria: Invitae Variant Classification Sherloc (09022015). Collection method: clinical testing. Allele origin: germline.
Comment: This sequence change replaces alanine, which is neutral and non-polar, with leucine, which is neutral and non-polar, at codon 428 of the TSC1 protein (p.Ala428Leu). Information on the frequency of this variant in the gnomAD database is not available, as this variant may be reported differently in the database. This variant has not been reported in the literature in individuals affected with TSC1-related conditions. ClinVar contains an entry for this variant (Variation ID: 135362). An algorithm developed to predict the effect of missense changes on protein structure and function (PolyPhen-2) suggests that this variant is likely to be tolerated. In summary, the available evidence is currently insufficient to determine the role of this variant in disease. Therefore, it has been classified as a Variant of Uncertain Significance.

Baylor Genetics
Classification: Uncertain significance for Isolated focal cortical dysplasia type II. Last evaluated: 2023-06-26. Review status: criteria provided, single submitter. Criteria: ACMG Guidelines, 2015. Collection method: clinical testing. Allele origin: unknown.

ITMI
No classification provided. Condition: AllHighlyPenetrant. Last evaluated: 2013-09-19. Review status: no classification provided. Collection method: reference population. Allele origin: germline. Not counted in ClinVar's aggregate classification.
Comment: Please see associated publication for description of ethnicities

Literature cited by the submitters: PubMed 24728327 (cited by ITMI).